The following is an entry in ClinVar:

ClinVar aggregate classification (germline): Likely benign (1 of 4 stars; one submission).

Submission:

CeGaT Center for Human Genetics Tuebingen
Classification: Likely benign. Last evaluated: 2025-03-01. Review status: criteria provided, single submitter. Criteria: CeGaT Center For Human Genetics Tuebingen Variant Classification Criteria Version 2. Collection method: clinical testing. Allele origin: germline. Affected: yes. Observed: 4 variant alleles.
Comment: DSPP: BP4, BP7

NM_014208.3(DSPP):c.3357C>T (p.Asp1119=)

Genes: DMP1-AS1 (DMP1 and DSPP antisense RNA 1; minus strand), DSPP (dentin sialophosphoprotein; plus strand). Cytogenetic location: 4q22.1.
Variant type: single nucleotide variant.
Coding change: c.3357C>T on transcript NM_014208.3 (MANE Select); coding-DNA position 3357, C replaced by T.
Protein change: p.Asp1119=; no amino-acid change (aspartic acid 1119 retained).
Molecular consequence: synonymous variant.
Genome position (GRCh38, 1-based): chr4:87,616,019, C>T. VCF-style: chr4-87616019-C-T. GRCh37 (hg19) VCF-style: chr4-88537171-C-T.
Identifiers: ClinVar variation 2654911 (VCV002654911.24), dbSNP rs867417190, ClinGen allele CA3001623.